The following is an entry in ClinVar:

ClinVar aggregate classification (germline): Uncertain significance. Review status: criteria provided, multiple submitters, no conflicts (2 of 4 stars). 3 submissions from 3 submitters: Uncertain significance (3). Last evaluated 2026-08-04.

Conditions:
Inborn genetic diseases. Identifiers: MedGen C0950123, MeSH D030342.

Allele frequency attached by ClinVar (database versions not stated): gnomAD 0.00001; ExAC 0.00006; 1000 Genomes Project 30x 0.00031; gnomAD exomes 0.00002; TOPMed 0.00002; 1000 Genomes Project 0.00020.
gnomAD v4.1: 43 of 1,611,718 alleles (0.0027%); highest among the groups gnomAD compares: Admixed American, 0.0067%; no homozygotes.

Submissions (3):

GeneDx
Classification: Uncertain significance. Last evaluated: 2026-08-04. Review status: criteria provided, single submitter. Criteria: GeneDx Variant Classification Process June 2021. Collection method: clinical testing. Allele origin: germline.
Comment: In silico analysis suggests that this missense variant does not alter protein structure/function; Has not been previously published as pathogenic or benign to our knowledge; This variant is associated with the following publications: (PMID: 22571692)

Ambry Genetics
Classification: Uncertain significance for Inborn genetic diseases. Last evaluated: 2025-08-30. Review status: criteria provided, single submitter. Criteria: Ambry Variant Classification Scheme 2023. Collection method: clinical testing. Allele origin: germline.

Blueprint Genetics
Classification: Uncertain significance. Last evaluated: 2023-12-11. Review status: criteria provided, single submitter. Criteria: ACMG Guidelines, 2015. Collection method: clinical testing. Allele origin: germline.

NM_003119.4(SPG7):c.1771G>A (p.Val591Met)

Gene: SPG7 (SPG7 matrix AAA peptidase subunit, paraplegin; plus strand). Cytogenetic location: 16q24.3.
Variant type: single nucleotide variant.
Coding change: c.1771G>A on transcript NM_003119.4 (MANE Select); coding-DNA position 1771, G replaced by A.
Protein change: p.Val591Met; replaces valine 591 with methionine.
Molecular consequence: missense variant.
Genome position (GRCh38, 1-based): chr16:89,550,601, G>A. VCF-style: chr16-89550601-G-A. GRCh37 (hg19) VCF-style: chr16-89617009-G-A.
Other names: p.V591M:GTG>ATG; c.1771G>A, p.Val591Met (NM_001363850.1); short protein forms V591M.
Identifiers: ClinVar variation 215216 (VCV000215216.10), dbSNP rs199804717, ClinGen allele CA325449.
Genomic context (GRCh38, chr16:89,550,601, plus strand): 5'-GTTGCGTTTCATGAGTCGGGCCACGCCTTGGTGGGCTGGATGCTGGAGCACACGGAGGCC[G>A]TGATGAAGGTGGGTCTTGGCAGGTGCCGGCTCCACGGGCCTTGGCCAAAGGTGGGTGGGG-3'
Protein context (NP_003110.1, residues 581-601): VGWMLEHTEA[Val591Met]MKVSITPRTN